The following is an entry in ClinVar:

ClinVar aggregate classification (germline): Uncertain significance (1 of 4 stars; one submission).

Allele frequency attached by ClinVar (database versions not stated): gnomAD exomes below 0.00001.
gnomAD v4.1: 1 of 1,200,036 alleles (0.000083%); highest among the groups gnomAD compares: Non-Finnish European, 0.00011%; no homozygotes.

Submission:

GeneDx
Classification: Uncertain significance. Last evaluated: 2017-02-17. Review status: criteria provided, single submitter. Criteria: GeneDx Variant Classification (06012015). Collection method: clinical testing. Allele origin: germline. Affected: yes.
Comment: The L372F variant in the AFF2 gene has not been reported previously as a pathogenic variant, nor as a benign variant, to our knowledge. The L372F variant is not observed in large population cohorts (Lek et al., 2016; 1000 Genomes Consortium et al., 2015; Exome Variant Server). The L372F variant is a conservative amino acid substitution, which occurs at a position that is conserved across species. In silico analysis predicts this variant is probably damaging to the protein structure/function. We interpret L372F as a variant of uncertain significance

NM_002025.4(AFF2):c.1114C>T (p.Leu372Phe)

Gene: AFF2 (ALF transcription elongation factor 2; plus strand). Cytogenetic location: Xq28.
Variant type: single nucleotide variant.
Coding change: c.1114C>T on transcript NM_002025.4 (MANE Select); coding-DNA position 1114, C replaced by T.
Protein change: p.Leu372Phe; replaces leucine 372 with phenylalanine.
Molecular consequence: missense variant. On other transcripts: intron variant (4).
Genome position (GRCh38, 1-based): chrX:148,837,674, C>T. VCF-style: chrX-148837674-C-T. GRCh37 (hg19) VCF-style: chrX-147919198-C-T.
Other names: c.1102C>T, p.Leu368Phe (NM_001169123.2); c.1087-5292C>T (NM_001169124.2); c.1075-5292C>T (NM_001169122.2, NM_001169125.2); c.97-5292C>T (NM_001170628.1); short protein forms L372F, L368F.
Identifiers: ClinVar variation 423323 (VCV000423323.2), dbSNP rs1036551142, ClinGen allele CA16621216.